The following is an entry in ClinVar:

ClinVar aggregate classification (germline): Uncertain significance (1 of 4 stars; one submission).

Conditions:
Cardiovascular phenotype. Identifiers: MedGen CN230736.

Allele frequency attached by ClinVar (database versions not stated): gnomAD exomes below 0.00001.
gnomAD v4.1: 2 of 1,614,152 alleles (0.00012%); highest among the groups gnomAD compares: Non-Finnish European, 0.00017%; no homozygotes.

Submission:

Ambry Genetics
Classification: Uncertain significance for Cardiovascular phenotype. Last evaluated: 2025-05-24. Review status: criteria provided, single submitter. Criteria: Ambry Variant Classification Scheme 2023. Collection method: clinical testing. Allele origin: germline.
Comment: The p.P529L variant (also known as c.1586C>T), located in coding exon 1 of the DOLK gene, results from a C to T substitution at nucleotide position 1586. The proline at codon 529 is replaced by leucine, an amino acid with similar properties. This amino acid position is highly conserved in available vertebrate species. In addition, this alteration is predicted to be deleterious by in silico analysis. Since supporting evidence is limited at this time, the clinical significance of this alteration remains unclear.

NM_014908.4(DOLK):c.1586C>T (p.Pro529Leu)

Gene: DOLK (dolichol kinase; minus strand). Cytogenetic location: 9q34.11.
Variant type: single nucleotide variant.
Coding change: c.1586C>T on transcript NM_014908.4 (MANE Select); coding-DNA position 1586, C replaced by T.
Protein change: p.Pro529Leu; replaces proline 529 with leucine.
Molecular consequence: missense variant.
Genome position (GRCh38, 1-based): chr9:128,945,718, G>A on the plus strand (C>T on the coding strand, the complement: DOLK is on the minus strand). VCF-style: chr9-128945718-G-A. GRCh37 (hg19) VCF-style: chr9-131707997-G-A.
Other names: short protein forms P529L.
Identifiers: ClinVar variation 1775801 (VCV001775801.3), dbSNP rs2492002386, ClinGen allele CA375115371.
Genomic context (GRCh38, chr9:128,945,718, plus strand): 5'-CCTCCGTCACTGCTGCTGCACTGTAACAGCTAGGCCATCAGCAATATCAGGAGGTAGAGA[G>A]GCAGAAGGAGATTGTCTATCTGTGTAGTGTATGCTTCCAGGAGGGACACAGTGCTGATGG-3'
Protein context (NP_055723.1, residues 519-538): YTTQIDNLLL[Pro529Leu]LYLLILLMA